The following is an entry in ClinVar:

NM_001283009.2(RTEL1):c.3893A>C (p.Glu1298Ala)

Genes: RTEL1 (regulator of telomere elongation helicase 1; plus strand), RTEL1-TNFRSF6B (RTEL1-TNFRSF6B readthrough (NMD candidate); plus strand). Cytogenetic location: 20q13.33.
Variant type: single nucleotide variant.
Coding change: c.3893A>C on transcript NM_001283009.2 (MANE Select); coding-DNA position 3893, A replaced by C.
Protein change: p.Glu1298Ala; replaces glutamic acid 1298 with alanine.
Molecular consequence: missense variant. On other transcripts: non-coding transcript variant (1), 3 prime UTR variant (3).
Genome position (GRCh38, 1-based): chr20:63,695,848, A>C. VCF-style: chr20-63695848-A-C. GRCh37 (hg19) VCF-style: chr20-62327201-A-C.
Other names: c.*63A>C (NM_001283010.1, NM_016434.4, NM_032957.5); short protein forms E1298A.
Identifiers: ClinVar variation 3435973 (VCV003435973.1).

ClinVar aggregate classification (germline): Uncertain significance (1 of 4 stars; one submission).

Conditions:
Inborn genetic diseases. Identifiers: MedGen C0950123, MeSH D030342.

Submission:

Ambry Genetics
Classification: Uncertain significance for Inborn genetic diseases. Last evaluated: 2024-11-25. Review status: criteria provided, single submitter. Criteria: Ambry Variant Classification Scheme 2023. Collection method: clinical testing. Allele origin: germline.
Comment: The p.E1298A variant (also known as c.3893A>C), located in coding exon 34 of the RTEL1 gene, results from an A to C substitution at nucleotide position 3893. The glutamic acid at codon 1298 is replaced by alanine, an amino acid with dissimilar properties. This amino acid position is conserved. In addition, the in silico prediction for this alteration is inconclusive. Based on the available evidence, the clinical significance of this variant remains unclear.